The following is an entry in ClinVar:

ClinVar aggregate classification (germline): Benign. Review status: criteria provided, multiple submitters, no conflicts (2 of 4 stars). 10 submissions from 10 submitters: Benign (10). Last evaluated 2026-02-02.

Conditions:
Familial thoracic aortic aneurysm and aortic dissection (TAAD). Also called: Thoracic aortic aneurysms and dissections. Identifiers: Orphanet 91387, MedGen C4707243, MONDO:0019625.
Ehlers-Danlos syndrome (EDS). Identifiers: Orphanet 98249, MedGen C0013720, MONDO:0020066.
Ehlers-Danlos syndrome, kyphoscoliotic type 1 (EDSKSCL1). Also called: EHLERS-DANLOS SYNDROME, OCULAR-SCOLIOTIC TYPE; PLOD1-Related Kyphoscoliotic Ehlers-Danlos Syndrome; EHLERS-DANLOS SYNDROME, TYPE VIA; Ehlers-Danlos syndrome, hydroxylysine-deficient. Identifiers: Orphanet 1900, MedGen C0268342, MONDO:0016002, OMIM 225400. Disease mechanism: loss of function.

Allele frequency attached by ClinVar (database versions not stated): gnomAD exomes 0.00231 and 0.00642; ExAC 0.00787; gnomAD 0.02462 and 0.02651; 1000 Genomes Project 0.02676; TOPMed 0.02761; 1000 Genomes Project 30x 0.02873; ESP Exome Variant Server 0.03014.
gnomAD v4.1: 7,266 of 1,613,860 alleles (0.45%); highest among the groups gnomAD compares: African/African-American, 8.6%; 245 homozygotes.

Submissions (10):

Labcorp Genetics (formerly Invitae), Labcorp
Classification: Benign for Ehlers-Danlos syndrome, kyphoscoliotic type 1. Last evaluated: 2026-02-02. Review status: criteria provided, single submitter. Criteria: Invitae Variant Classification Sherloc (09022015). Collection method: clinical testing. Allele origin: germline.

ARUP Laboratories, Molecular Genetics and Genomics, ARUP Laboratories
Classification: Benign for Ehlers-Danlos syndrome, kyphoscoliotic type 1. Last evaluated: 2025-06-25. Review status: criteria provided, single submitter. Criteria: ARUP Molecular Germline Variant Investigation Process 2024. Collection method: clinical testing. Allele origin: germline.

Molecular Diagnostic Laboratory for Inherited Cardiovascular Disease, Montreal Heart Institute
Classification: Benign. Last evaluated: 2025-04-09. Review status: criteria provided, single submitter. Criteria: ACMG Guidelines, 2015. Collection method: clinical testing. Allele origin: germline. Affected: no.

Women's Health and Genetics/Laboratory Corporation of America, LabCorp
Classification: Benign. Last evaluated: 2023-04-11. Review status: criteria provided, single submitter. Criteria: LabCorp Variant Classification Summary - May 2015. Collection method: clinical testing. Allele origin: germline.

Genome Diagnostics Laboratory, The Hospital for Sick Children
Classification: Benign for Ehlers-Danlos syndrome. Last evaluated: 2022-02-17. Review status: criteria provided, single submitter. Criteria: ACMG Guidelines, 2015. Collection method: clinical testing. Allele origin: germline.

Mayo Clinic Laboratories, Mayo Clinic
Classification: Benign. Last evaluated: 2021-03-09. Review status: criteria provided, single submitter. Criteria: ACMG Guidelines, 2015. Collection method: clinical testing. Allele origin: germline. Observed: 30 variant alleles.

Illumina Laboratory Services, Illumina
Classification: Benign for Ehlers-Danlos syndrome, kyphoscoliotic type 1. Last evaluated: 2018-01-12. Review status: criteria provided, single submitter. Criteria: ICSL Variant Classification Criteria 13 December 2019. Collection method: clinical testing. Allele origin: germline.
Comment: This variant was observed in the ICSL laboratory as part of a predisposition screen in an ostensibly healthy population. It had not been previously curated by ICSL or reported in the Human Gene Mutation Database (HGMD: prior to June 1st, 2018), and was therefore a candidate for classification through an automated scoring system. Utilizing variant allele frequency, disease prevalence and penetrance estimates, and inheritance mode, an automated score was calculated to assess if this variant is too frequent to cause the disease. Based on the score and internal cut-off values, a variant classified as benign is not then subjected to further curation. The score for this variant resulted in a classification of benign for this disease.

GeneDx
Classification: Benign. Last evaluated: 2016-10-25. Review status: criteria provided, single submitter. Criteria: GeneDx Variant Classification (06012015). Collection method: clinical testing. Allele origin: germline. Affected: yes.
Comment: This variant is considered likely benign or benign based on one or more of the following criteria: it is a conservative change, it occurs at a poorly conserved position in the protein, it is predicted to be benign by multiple in silico algorithms, and/or has population frequency not consistent with disease.

Ambry Genetics
Classification: Benign for Familial thoracic aortic aneurysm and aortic dissection. Last evaluated: 2015-02-03. Review status: criteria provided, single submitter. Criteria: Ambry Variant Classification Scheme 2023. Collection method: clinical testing. Allele origin: germline.

Breakthrough Genomics
Classification: Benign. Review status: criteria provided, single submitter. Criteria: ACMG Guidelines, 2015. Collection method: not provided. Allele origin: germline. Inheritance: Autosomal recessive inheritance. Affected: yes.

NM_000302.4(PLOD1):c.177C>T (p.Gly59=)

Gene: PLOD1 (procollagen-lysine,2-oxoglutarate 5-dioxygenase 1; plus strand). Cytogenetic location: 1p36.22.
Variant type: single nucleotide variant.
Coding change: c.177C>T on transcript NM_000302.4 (MANE Select); coding-DNA position 177, C replaced by T.
Protein change: p.Gly59=; no amino-acid change (glycine 59 retained).
Molecular consequence: synonymous variant.
Genome position (GRCh38, 1-based): chr1:11,949,781, C>T. VCF-style: chr1-11949781-C-T. GRCh37 (hg19) VCF-style: chr1-12009838-C-T.
Other names: p.Gly59=; c.318C>T, p.Gly106= (NM_001316320.2).
Identifiers: ClinVar variation 263887 (VCV000263887.70), dbSNP rs34032489, ClinGen allele CA597830.